The following is an entry in ClinVar:

NM_001371727.1(GABRB2):c.482T>C (p.Met161Thr)

Gene: GABRB2 (gamma-aminobutyric acid type A receptor subunit beta2; minus strand). Cytogenetic location: 5q34.
Variant type: single nucleotide variant.
Coding change: c.482T>C on transcript NM_001371727.1 (MANE Select); coding-DNA position 482, T replaced by C.
Protein change: p.Met161Thr; replaces methionine 161 with threonine.
Molecular consequence: missense variant.
Genome position (GRCh38, 1-based): chr5:161,411,034, A>G on the plus strand (T>C on the coding strand, the complement: GABRB2 is on the minus strand). VCF-style: chr5-161411034-A-G. GRCh37 (hg19) VCF-style: chr5-160838040-A-G.
Other names: c.482T>C, p.Met161Thr (NM_000813.3, NM_021911.3); short protein forms M161T.
Identifiers: ClinVar variation 384523 (VCV000384523.10), dbSNP rs1057521979, ClinGen allele CA16604729.

ClinVar aggregate classification (germline): Conflicting classifications of pathogenicity. Review status: criteria provided, conflicting classifications (1 of 4 stars). 2 submissions from 2 submitters: Likely pathogenic (1); Uncertain significance (1). Last evaluated 2022-02-03.

Conditions:
Intellectual disability. Also called: Intellectual functioning disability; intellectual disabilities; Intellectual developmental disorder. Identifiers: MedGen C3714756, MeSH D008607, MONDO:0001071, HP:0001249.

Submissions (2):

Labcorp Genetics (formerly Invitae), Labcorp
Classification: Uncertain significance for Intellectual disability. Last evaluated: 2022-02-03. Review status: criteria provided, single submitter. Criteria: Invitae Variant Classification Sherloc (09022015). Collection method: clinical testing. Allele origin: germline.
Comment: ClinVar contains an entry for this variant (Variation ID: 384523). This variant has not been reported in the literature in individuals affected with GABRB2-related conditions. This variant is not present in population databases (gnomAD no frequency). This sequence change replaces methionine, which is neutral and non-polar, with threonine, which is neutral and polar, at codon 161 of the GABRB2 protein (p.Met161Thr). Advanced modeling of protein sequence and biophysical properties (such as structural, functional, and spatial information, amino acid conservation, physicochemical variation, residue mobility, and thermodynamic stability) performed at Invitae indicates that this missense variant is expected to disrupt GABRB2 protein function. In summary, the available evidence is currently insufficient to determine the role of this variant in disease. Therefore, it has been classified as a Variant of Uncertain Significance.

GeneDx
Classification: Likely pathogenic. Last evaluated: 2016-03-03. Review status: criteria provided, single submitter. Criteria: GeneDx Variant Classification (06012015). Collection method: clinical testing. Allele origin: germline. Affected: yes.
Comment: The M161T variant in the GABRB2 gene has not been reported previously as a pathogenic variant,nor as a benign variant, to our knowledge. The M161T variant was not observed in approximately6500 individuals of European and African American ancestry in the NHLBI Exome SequencingProject, indicating it is not a common benign variant in these populations. The M161T variant is anon-conservative amino acid substitution, which is likely to impact secondary protein structure asthese residues differ in polarity, charge, size and/or other properties. This substitution occurs at aposition that is conserved across species. However, in silico analysis is inconsistent in its predictions asto whether or not the variant is damaging to the protein structure/function. Given the availableinformation, the M161T variant is a strong candidate for a pathogenic variant.